The following is an entry in ClinVar:

ClinVar aggregate classification (germline): Likely benign. Review status: criteria provided, single submitter (1 of 4 stars). 2 submissions from 2 submitters: Likely benign (1). 1 of the submissions does not count toward it. Last evaluated 2020-09-28.

Conditions:
TBX3-related disorder. Also called: TBX3-related condition.

Submissions (2):

Blueprint Genetics
Classification: Likely benign. Last evaluated: 2020-09-28. Review status: criteria provided, single submitter. Criteria: ACMG Guidelines, 2015. Collection method: clinical testing. Allele origin: germline.

PreventionGenetics, part of Exact Sciences
Classification: Likely benign for TBX3-related condition. Last evaluated: 2022-06-08. Review status: no assertion criteria provided. Collection method: clinical testing. Allele origin: germline. Not counted in ClinVar's aggregate classification.
Comment: This variant is classified as likely benign based on ACMG/AMP sequence variant interpretation guidelines (Richards et al. 2015 PMID: 25741868, with internal and published modifications).

NM_005996.4(TBX3):c.174C>G (p.Gly58=)

Genes: TBX3 (T-box transcription factor 3; minus strand), TBX3-AS1 (TBX3 antisense RNA 1; plus strand). Cytogenetic location: 12q24.21.
Variant type: single nucleotide variant.
Coding change: c.174C>G on transcript NM_005996.4 (MANE Select); coding-DNA position 174, C replaced by G.
Protein change: p.Gly58=; no amino-acid change (glycine 58 retained).
Molecular consequence: synonymous variant.
Genome position (GRCh38, 1-based): chr12:114,683,027, G>C on the plus strand (C>G on the coding strand, the complement: TBX3 is on the minus strand). VCF-style: chr12-114683027-G-C. GRCh37 (hg19) VCF-style: chr12-115120832-G-C.
Other names: c.174C>G, p.Gly58= (NM_016569.4).
Identifiers: ClinVar variation 3358646 (VCV003358646.2).